The following is an entry in ClinVar:

ClinVar aggregate classification (germline): Uncertain significance (1 of 4 stars; one submission).

Allele frequency attached by ClinVar (database versions not stated): TOPMed below 0.00001; gnomAD 0.00001.
gnomAD v4.1: 1 of 1,583,084 alleles (0.000063%); highest among the groups gnomAD compares: Non-Finnish European, 0.000085%; no homozygotes.

Submission:

GeneDx
Classification: Uncertain significance. Last evaluated: 2022-10-08. Review status: criteria provided, single submitter. Criteria: GeneDx Variant Classification Process June 2021. Collection method: clinical testing. Allele origin: germline. Affected: yes.
Comment: Not observed at significant frequency in large population cohorts (gnomAD); In silico analysis supports that this missense variant has a deleterious effect on protein structure/function; Has not been previously published as pathogenic or benign to our knowledge

NM_014975.3(MAST1):c.3748C>G (p.Pro1250Ala)

Gene: MAST1 (microtubule associated serine/threonine kinase 1; plus strand). Cytogenetic location: 19p13.13.
Variant type: single nucleotide variant.
Coding change: c.3748C>G on transcript NM_014975.3 (MANE Select); coding-DNA position 3748, C replaced by G.
Protein change: p.Pro1250Ala; replaces proline 1250 with alanine.
Molecular consequence: missense variant.
Genome position (GRCh38, 1-based): chr19:12,873,905, C>G. VCF-style: chr19-12873905-C-G. GRCh37 (hg19) VCF-style: chr19-12984719-C-G.
Other names: short protein forms P1250A.
Identifiers: ClinVar variation 2497876 (VCV002497876.1), dbSNP rs1970274196, ClinGen allele CA404289003.